The following is an entry in ClinVar:

ClinVar aggregate classification (germline): Conflicting classifications of pathogenicity. Review status: criteria provided, conflicting classifications (1 of 4 stars). 4 submissions from 4 submitters: Uncertain significance (3); Likely benign (1). Last evaluated 2024-08-27.

Conditions:
Hereditary cancer-predisposing syndrome. Also called: Hereditary neoplastic syndrome; Neoplastic Syndromes, Hereditary; Tumor predisposition; Hereditary Cancer Syndrome. Identifiers: Orphanet 140162, MedGen C0027672, MeSH D009386, MONDO:0015356.
Familial adenomatous polyposis 1 (FAP1). Also called: POLYPOSIS, ADENOMATOUS INTESTINAL; FAMILIAL ADENOMATOUS POLYPOSIS 1, ATTENUATED. Identifiers: MedGen C2713442, MONDO:0021056, OMIM 175100. Disease mechanism: loss of function.

Allele frequency attached by ClinVar (database versions not stated): gnomAD exomes below 0.00001 and 0.00001; ExAC 0.00001.
gnomAD v4.1: 4 of 1,612,490 alleles (0.00025%); highest among the groups gnomAD compares: East Asian, 0.0067%; no homozygotes.

Submissions (4):

Labcorp Genetics (formerly Invitae), Labcorp
Classification: Uncertain significance for Familial adenomatous polyposis 1. Last evaluated: 2024-08-27. Review status: criteria provided, single submitter. Criteria: Invitae Variant Classification Sherloc (09022015). Collection method: clinical testing. Allele origin: germline.
Comment: This sequence change replaces glycine, which is neutral and non-polar, with glutamic acid, which is acidic and polar, at codon 267 of the APC protein (p.Gly267Glu). This variant is present in population databases (rs747759906, gnomAD 0.01%). This variant has not been reported in the literature in individuals affected with APC-related conditions. ClinVar contains an entry for this variant (Variation ID: 470122). Invitae Evidence Modeling of protein sequence and biophysical properties (such as structural, functional, and spatial information, amino acid conservation, physicochemical variation, residue mobility, and thermodynamic stability) indicates that this missense variant is not expected to disrupt APC protein function with a negative predictive value of 95%. In summary, the available evidence is currently insufficient to determine the role of this variant in disease. Therefore, it has been classified as a Variant of Uncertain Significance.

Baylor Genetics
Classification: Uncertain significance for Familial adenomatous polyposis 1. Last evaluated: 2024-03-27. Review status: criteria provided, single submitter. Criteria: ACMG Guidelines, 2015. Collection method: clinical testing. Allele origin: unknown.

Color Diagnostics, LLC DBA Color Health
Classification: Uncertain significance for Hereditary cancer-predisposing syndrome. Last evaluated: 2023-12-05. Review status: criteria provided, single submitter. Criteria: ACMG Guidelines, 2015. Collection method: clinical testing. Allele origin: germline.
Comment: This missense variant replaces glycine with glutamic acid at codon 267 of the APC protein. Computational prediction suggests that this variant may not impact protein structure and function (internally defined REVEL score threshold <= 0.5, PMID: 27666373). To our knowledge, functional studies have not been reported for this variant. This variant has not been reported in individuals affected with APC-related disorders in the literature. This variant has been identified in 2/251140 chromosomes in the general population by the Genome Aggregation Database (gnomAD). The available evidence is insufficient to determine the role of this variant in disease conclusively. Therefore, this variant is classified as a Variant of Uncertain Significance.

Ambry Genetics
Classification: Likely benign for Hereditary cancer-predisposing syndrome. Last evaluated: 2021-12-20. Review status: criteria provided, single submitter. Criteria: Ambry Variant Classification Scheme 2023. Collection method: clinical testing. Allele origin: germline.

NM_000038.6(APC):c.800G>A (p.Gly267Glu)

Gene: APC (APC regulator of Wnt signaling pathway; plus strand). Cytogenetic location: 5q22.2.
Variant type: single nucleotide variant.
Coding change: c.800G>A on transcript NM_000038.6 (MANE Select); coding-DNA position 800, G replaced by A.
Protein change: p.Gly267Glu; replaces glycine 267 with glutamic acid.
Molecular consequence: missense variant. On other transcripts: 5 prime UTR variant (1).
Genome position (GRCh38, 1-based): chr5:112,801,349, G>A. VCF-style: chr5-112801349-G-A. GRCh37 (hg19) VCF-style: chr5-112137046-G-A.
Other names: c.800G>A, p.Gly267Glu (NM_001127510.3, NM_001354895.2, NM_001354896.2 and 1 more transcripts); c.746G>A, p.Gly249Glu (NM_001127511.3); c.830G>A, p.Gly277Glu (NM_001354897.2, NM_001354902.2); c.725G>A, p.Gly242Glu (NM_001354898.2, NM_001354904.2); c.716G>A, p.Gly239Glu (NM_001354899.2); c.623G>A, p.Gly208Glu (NM_001354900.2, NM_001354901.2, NM_001354905.2); c.-236G>A (NM_001354906.2); short protein forms G249E, G267E, G208E, G239E, G242E, G277E.
Identifiers: ClinVar variation 470122 (VCV000470122.58), dbSNP rs747759906, ClinGen allele CA049608.